The following is an entry in ClinVar:

ClinVar aggregate classification (germline): Uncertain significance (1 of 4 stars; one submission).

gnomAD v4.1: 1 of 1,614,036 alleles (0.000062%); highest among the groups gnomAD compares: Non-Finnish European, 0.000085%; no homozygotes.

Submission:

Labcorp Genetics (formerly Invitae), Labcorp
Classification: Uncertain significance. Last evaluated: 2025-11-16. Review status: criteria provided, single submitter. Criteria: Invitae Variant Classification Sherloc (09022015). Collection method: clinical testing. Allele origin: germline.
Comment: This sequence change replaces glycine, which is neutral and non-polar, with glutamic acid, which is acidic and polar, at codon 1591 of the FLNB protein (p.Gly1591Glu). This variant is not present in population databases (gnomAD no frequency). This variant has not been reported in the literature in individuals affected with FLNB-related conditions. Invitae Evidence Modeling of protein sequence and biophysical properties (such as structural, functional, and spatial information, amino acid conservation, physicochemical variation, residue mobility, and thermodynamic stability) indicates that this missense variant is not expected to disrupt FLNB protein function with a negative predictive value of 95%. In summary, the available evidence is currently insufficient to determine the role of this variant in disease. Therefore, it has been classified as a Variant of Uncertain Significance.

NM_001457.4(FLNB):c.4772G>A (p.Gly1591Glu)

Gene: FLNB (filamin B; plus strand). Cytogenetic location: 3p14.3.
Variant type: single nucleotide variant.
Coding change: c.4772G>A on transcript NM_001457.4 (MANE Select); coding-DNA position 4772, G replaced by A.
Protein change: p.Gly1591Glu; replaces glycine 1591 with glutamic acid.
Molecular consequence: missense variant.
Genome position (GRCh38, 1-based): chr3:58,136,079, G>A. VCF-style: chr3-58136079-G-A. GRCh37 (hg19) VCF-style: chr3-58121806-G-A.
Other names: c.4865G>A, p.Gly1622Glu (NM_001164317.2); c.4772G>A, p.Gly1591Glu (NM_001164318.2, NM_001164319.2); short protein forms G1591E, G1622E.
Identifiers: ClinVar variation 4763006 (VCV004763006.1).